The following is an entry in ClinVar:

ClinVar aggregate classification (germline): Uncertain significance (1 of 4 stars; one submission).

Conditions:
Lymphangiomyomatosis (LAM). Also called: Lymphangioleiomyomatosis; Lymphangioleiomyomatosis, somatic. Identifiers: Orphanet 538, MedGen C0751674, MONDO:0011705, OMIM 606690.

Submission:

Centre for Mendelian Genomics, University Medical Centre Ljubljana
Classification: Uncertain significance for Lymphangiomyomatosis. Last evaluated: 2019-10-04. Review status: criteria provided, single submitter. Criteria: ACMG Guidelines, 2015. Collection method: clinical testing. Allele origin: unknown. Affected: yes.
Comment: This variant was classified as: Uncertain significance. The available evidence on this variant's pathogenicity is insufficient or conflicting. The following ACMG criteria were applied in classifying this variant: PM2.

NM_000548.5(TSC2):c.4262G>C (p.Gly1421Ala)

Gene: TSC2 (TSC complex subunit 2; plus strand). Cytogenetic location: 16p13.3.
Variant type: single nucleotide variant.
Coding change: c.4262G>C on transcript NM_000548.5 (MANE Select); coding-DNA position 4262, G replaced by C.
Protein change: p.Gly1421Ala; replaces glycine 1421 with alanine.
Molecular consequence: missense variant.
Genome position (GRCh38, 1-based): chr16:2,084,484, G>C. VCF-style: chr16-2084484-G-C. GRCh37 (hg19) VCF-style: chr16-2134485-G-C.
Other names: c.4061G>C, p.Gly1354Ala (NM_001077183.3); c.4193G>C, p.Gly1398Ala (NM_001114382.3); c.3953G>C, p.Gly1318Ala (NM_001318827.2); c.3917G>C, p.Gly1306Ala (NM_001318829.2); c.3530G>C, p.Gly1177Ala (NM_001318831.2); c.4094G>C, p.Gly1365Ala (NM_001318832.2); c.4064G>C, p.Gly1355Ala (NM_001363528.2); c.4130G>C, p.Gly1377Ala (NM_001370404.1); and 1 more; short protein forms G1177A, G1318A, G1355A, G1398A, G1421A, G1306A, G1354A, G1365A.
Identifiers: ClinVar variation 931762 (VCV000931762.3), dbSNP rs1368001965, ClinGen allele CA394300546.